The following is an entry in ClinVar:

NM_012293.3(PXDN):c.3831C>T (p.Asn1277=)

Gene: PXDN (peroxidasin; minus strand). Cytogenetic location: 2p25.3.
Variant type: single nucleotide variant.
Coding change: c.3831C>T on transcript NM_012293.3 (MANE Select); coding-DNA position 3831, C replaced by T.
Protein change: p.Asn1277=; no amino-acid change (asparagine 1277 retained).
Molecular consequence: synonymous variant.
Genome position (GRCh38, 1-based): chr2:1,643,489, G>A on the plus strand (C>T on the coding strand, the complement: PXDN is on the minus strand). VCF-style: chr2-1643489-G-A. GRCh37 (hg19) VCF-style: chr2-1647261-G-A.
Identifiers: ClinVar variation 3350281 (VCV003350281.1).

ClinVar aggregate classification (germline): Likely benign (0 of 4 stars; one submission).

Conditions:
PXDN-related disorder. Also called: PXDN-related condition.

gnomAD v4.1: 88 of 1,613,854 alleles (0.0055%); highest among the groups gnomAD compares: East Asian, 0.016%; no homozygotes.

Submission:

PreventionGenetics, part of Exact Sciences
Classification: Likely benign for PXDN-related condition. Last evaluated: 2024-06-28. Review status: no assertion criteria provided. Collection method: clinical testing. Allele origin: germline.
Comment: This variant is classified as likely benign based on ACMG/AMP sequence variant interpretation guidelines (Richards et al. 2015 PMID: 25741868, with internal and published modifications).